The following is an entry in ClinVar:

NM_005090.4(JMJD7-PLA2G4B):c.444C>T (p.Ser148=)

Genes: JMJD7 (jumonji domain containing 7; plus strand), JMJD7-PLA2G4B (JMJD7-PLA2G4B readthrough; plus strand). Cytogenetic location: 15q15.1.
Variant type: single nucleotide variant.
Coding change: c.444C>T on transcript NM_005090.4; coding-DNA position 444, C replaced by T.
Protein change: p.Ser148=; no amino-acid change (serine 148 retained).
Molecular consequence: synonymous variant.
Genome position (GRCh38, 1-based): chr15:41,835,195, C>T. VCF-style: chr15-41835195-C-T. GRCh37 (hg19) VCF-style: chr15-42127393-C-T.
Other names: c.444C>T, p.Ser148= (NM_001114632.2, NM_001198588.2).
Identifiers: ClinVar variation 3057053 (VCV003057053.2), dbSNP rs148739127, ClinGen allele CA7499046.
Genomic context (GRCh38, chr15:41,835,195, plus strand): 5'-GCAGAAGCAGTGCTCCAACCTGCCCAGCGAGCTGCCCCAGCTGCTGCCTGATCTGGAATC[C>T]CATGTGCCCTGGGCCTCCGAAGCCCTGGGTGAGTGGAGGTGGGGTGGTCGTGGCCCTGGA-3'

ClinVar aggregate classification (germline): Likely benign (0 of 4 stars; one submission).

Conditions:
JMJD7-PLA2G4B-related disorder. Also called: JMJD7-PLA2G4B-related condition.

Allele frequency attached by ClinVar (database versions not stated): ESP Exome Variant Server 0.00015; gnomAD exomes 0.00022; gnomAD 0.00026; TOPMed 0.00031; ExAC 0.00033.
gnomAD v4.1: 369 of 1,601,082 alleles (0.023%); highest among the groups gnomAD compares: Middle Eastern, 0.78%; 2 homozygotes.

Submission:

PreventionGenetics, part of Exact Sciences
Classification: Likely benign for JMJD7-PLA2G4B-related condition. Last evaluated: 2019-02-19. Review status: no assertion criteria provided. Collection method: clinical testing. Allele origin: germline.
Comment: This variant is classified as likely benign based on ACMG/AMP sequence variant interpretation guidelines (Richards et al. 2015 PMID: 25741868, with internal and published modifications).